The following is an entry in ClinVar:

NM_033026.6(PCLO):c.13663G>A (p.Val4555Ile)

Gene: PCLO (piccolo presynaptic cytomatrix protein; minus strand). Cytogenetic location: 7q21.11.
Variant type: single nucleotide variant.
Coding change: c.13663G>A on transcript NM_033026.6 (MANE Select); coding-DNA position 13663, G replaced by A.
Protein change: p.Val4555Ile; replaces valine 4555 with isoleucine.
Molecular consequence: missense variant.
Genome position (GRCh38, 1-based): chr7:82,847,239, C>T on the plus strand (G>A on the coding strand, the complement: PCLO is on the minus strand). VCF-style: chr7-82847239-C-T. GRCh37 (hg19) VCF-style: chr7-82476555-C-T.
Other names: c.13663G>A, p.Val4555Ile (NM_014510.3); c.13663G>A (NM_033026.5); short protein forms V4555I.
Identifiers: ClinVar variation 3235856 (VCV003235856.2), dbSNP rs1792527510, ClinGen allele CA367879792.

ClinVar aggregate classification (germline): Uncertain significance. Review status: criteria provided, multiple submitters, no conflicts (2 of 4 stars). 2 submissions from 2 submitters: Uncertain significance (2). Last evaluated 2025-04-25.

Conditions:
Inborn genetic diseases. Identifiers: MedGen C0950123, MeSH D030342.

Allele frequency attached by ClinVar (database versions not stated): gnomAD exomes below 0.00001; TOPMed below 0.00001.
gnomAD v4.1: 2 of 1,570,400 alleles (0.00013%); highest among the groups gnomAD compares: Non-Finnish European, 0.00017%; no homozygotes.

Submissions (2):

Ambry Genetics
Classification: Uncertain significance for Inborn genetic diseases. Last evaluated: 2025-04-25. Review status: criteria provided, single submitter. Criteria: Ambry Variant Classification Scheme 2023. Collection method: clinical testing. Allele origin: germline.

Greenwood Genetic Center Diagnostic Laboratories, Greenwood Genetic Center
Classification: Uncertain significance. Last evaluated: 2024-01-25. Review status: criteria provided, single submitter. Criteria: ACMG Guidelines, 2015. Collection method: clinical testing. Allele origin: germline. Affected: yes.
Comment: PM2